The following is an entry in ClinVar:

ClinVar aggregate classification (germline): Uncertain significance (1 of 4 stars; one submission).

Conditions:
Immunodeficiency 23 (IMD23). Also called: IMMUNODEFICIENCY WITH HYPER IgE AND COGNITIVE IMPAIRMENT; IMMUNODEFICIENCY-VASCULITIS-MYOCLONUS SYNDROME. Identifiers: Orphanet 443811, MedGen C4014371, MONDO:0014353, OMIM 615816.

Allele frequency attached by ClinVar (database versions not stated): gnomAD exomes below 0.00001.

Submission:

Labcorp Genetics (formerly Invitae), Labcorp
Classification: Uncertain significance for Immunodeficiency 23. Last evaluated: 2020-07-07. Review status: criteria provided, single submitter. Criteria: Invitae Variant Classification Sherloc (09022015). Collection method: clinical testing. Allele origin: germline.
Comment: In summary, the available evidence is currently insufficient to determine the role of this variant in disease. Therefore, it has been classified as a Variant of Uncertain Significance. Algorithms developed to predict the effect of missense changes on protein structure and function are either unavailable or do not agree on the potential impact of this missense change (SIFT: "Tolerated"; PolyPhen-2: "Benign"; Align-GVGD: "Class C0"). This variant has not been reported in the literature in individuals with PGM3-related conditions. This variant is not present in population databases (ExAC no frequency). This sequence change replaces aspartic acid with tyrosine at codon 148 of the PGM3 protein (p.Asp148Tyr). The aspartic acid residue is weakly conserved and there is a large physicochemical difference between aspartic acid and tyrosine.

NM_015599.3(PGM3):c.358G>T (p.Asp120Tyr)

Gene: PGM3 (phosphoglucomutase 3; minus strand). Cytogenetic location: 6q14.1.
Variant type: single nucleotide variant.
Coding change: c.358G>T on transcript NM_015599.3 (MANE Select); coding-DNA position 358, G replaced by T.
Protein change: p.Asp120Tyr; replaces aspartic acid 120 with tyrosine.
Molecular consequence: missense variant. On other transcripts: non-coding transcript variant (1).
Genome position (GRCh38, 1-based): chr6:83,188,645, C>A on the plus strand (G>T on the coding strand, the complement: PGM3 is on the minus strand). VCF-style: chr6-83188645-C-A. GRCh37 (hg19) VCF-style: chr6-83898364-C-A.
Other names: c.442G>T, p.Asp148Tyr (NM_001199917.2, NM_001367287.1); c.115G>T, p.Asp39Tyr (NM_001199918.2); c.358G>T, p.Asp120Tyr (NM_001199919.2, NM_001367286.1); short protein forms D120Y, D148Y, D39Y.
Identifiers: ClinVar variation 1027229 (VCV001027229.8), dbSNP rs1788796668, ClinGen allele CA364851490.